The following is an entry in ClinVar:

NM_001349338.3(FOXP1):c.1240C>G (p.Leu414Val)

Gene: FOXP1 (forkhead box P1; minus strand). Cytogenetic location: 3p13.
Variant type: single nucleotide variant.
Coding change: c.1240C>G on transcript NM_001349338.3 (MANE Select); coding-DNA position 1240, C replaced by G.
Protein change: p.Leu414Val; replaces leucine 414 with valine.
Molecular consequence: missense variant. On other transcripts: non-coding transcript variant (2).
Genome position (GRCh38, 1-based): chr3:70,977,936, G>C on the plus strand (C>G on the coding strand, the complement: FOXP1 is on the minus strand). VCF-style: chr3-70977936-G-C. GRCh37 (hg19) VCF-style: chr3-71027087-G-C.
Other names: c.1240C>G (NM_032682.5); c.1240C>G, p.Leu414Val (NM_001244808.3, NM_001244810.2, NM_001244814.3 and 4 more transcripts); c.1012C>G, p.Leu338Val (NM_001244812.3); c.940C>G, p.Leu314Val (NM_001244813.3, NM_001244815.2, NM_001349342.3 and 1 more transcripts); c.937C>G, p.Leu313Val (NM_001349337.2, NM_001349343.3, NM_001349344.3); c.1237C>G, p.Leu413Val (NM_001349341.3); short protein forms L413V, L314V, L338V, L414V, L313V.
Identifiers: ClinVar variation 2062820 (VCV002062820.5), dbSNP rs534691598, ClinGen allele CA76530288.

ClinVar aggregate classification (germline): Conflicting classifications of pathogenicity. Review status: criteria provided, conflicting classifications (1 of 4 stars). 2 submissions from 2 submitters: Uncertain significance (1); Likely benign (1). Last evaluated 2025-09-25.

Conditions:
Inborn genetic diseases. Identifiers: MedGen C0950123, MeSH D030342.

Allele frequency attached by ClinVar (database versions not stated): TOPMed below 0.00001.
gnomAD v4.1: 19 of 1,613,946 alleles (0.0012%); highest among the groups gnomAD compares: Non-Finnish European, 0.0015%; no homozygotes.

Submissions (2):

Ambry Genetics
Classification: Likely benign for Inborn genetic diseases. Last evaluated: 2025-09-25. Review status: criteria provided, single submitter. Criteria: Ambry Variant Classification Scheme 2023. Collection method: clinical testing. Allele origin: germline.

Labcorp Genetics (formerly Invitae), Labcorp
Classification: Uncertain significance. Last evaluated: 2025-07-30. Review status: criteria provided, single submitter. Criteria: Invitae Variant Classification Sherloc (09022015). Collection method: clinical testing. Allele origin: germline.
Comment: This sequence change replaces leucine, which is neutral and non-polar, with valine, which is neutral and non-polar, at codon 414 of the FOXP1 protein (p.Leu414Val). This variant is present in population databases (rs534691598, gnomAD 0.002%). This variant has not been reported in the literature in individuals affected with FOXP1-related conditions. ClinVar contains an entry for this variant (Variation ID: 2062820). Invitae Evidence Modeling of protein sequence and biophysical properties (such as structural, functional, and spatial information, amino acid conservation, physicochemical variation, residue mobility, and thermodynamic stability) indicates that this missense variant is not expected to disrupt FOXP1 protein function with a negative predictive value of 80%. In summary, the available evidence is currently insufficient to determine the role of this variant in disease. Therefore, it has been classified as a Variant of Uncertain Significance.